The following is an entry in ClinVar:

NM_001267550.2(TTN):c.95716C>G (p.Pro31906Ala)

Genes: TTN (titin; minus strand), TTN-AS1 (TTN antisense RNA 1; plus strand). Cytogenetic location: 2q31.2.
Variant type: single nucleotide variant.
Coding change: c.95716C>G on transcript NM_001267550.2 (MANE Select); coding-DNA position 95716, C replaced by G.
Protein change: p.Pro31906Ala; replaces proline 31906 with alanine.
Molecular consequence: missense variant.
Genome position (GRCh38, 1-based): chr2:178,545,394, G>C on the plus strand (C>G on the coding strand, the complement: TTN is on the minus strand). VCF-style: chr2-178545394-G-C. GRCh37 (hg19) VCF-style: chr2-179410121-G-C.
Other names: p.Pro30265Ala; c.90793C>G, p.Pro30265Ala (NM_001256850.1); c.68521C>G, p.Pro22841Ala (NM_003319.4); c.88012C>G, p.Pro29338Ala (NM_133378.4); c.68896C>G, p.Pro22966Ala (NM_133432.3); c.69097C>G, p.Pro23033Ala (NM_133437.4); c.95716C>G (NM_001267550.1); short protein forms P31906A, P29338A, P22966A, P22841A, P23033A, P30265A.
Identifiers: ClinVar variation 535398 (VCV000535398.15), dbSNP rs755949122, ClinGen allele CA349458858.
Genomic context (GRCh38, chr2:178,545,394, plus strand): 5'-TCTGTCATATAGTTTTGAGGAGCATTGTATTTATGTATGATTCTTGGAGCTCACATGATG[G>C]TTCTCTGCATGAGATGAAGTTGGAAGCTTCGCTGGGCTCACTGTTACCAGCTGCATTCAC-3'
Protein context (NP_001254479.2, residues 31896-31916): EASNFISCRE[Pro31906Ala]SYTPGPPSAP

ClinVar aggregate classification (germline): Conflicting classifications of pathogenicity. Review status: criteria provided, conflicting classifications (1 of 4 stars). 8 submissions from 8 submitters: Uncertain significance (7); Likely benign (1). Last evaluated 2025-10-29.

Conditions:
TTN-related disorder. Also called: TTN-related condition; TTN-related disease; TTN-related disorders.
Dilated cardiomyopathy 1G (CMD1G). Identifiers: Orphanet 154, MedGen C1858763, MONDO:0011400, OMIM 604145.
Autosomal recessive limb-girdle muscular dystrophy type 2J (LGMDR10). Also called: MUSCULAR DYSTROPHY, LIMB-GIRDLE, AUTOSOMAL RECESSIVE 10; Limb-girdle muscular dystrophy, type 2J. Identifiers: Orphanet 140922, MedGen C1837342, MONDO:0012127, OMIM 608807.

Allele frequency attached by ClinVar (database versions not stated): gnomAD 0.00005; TOPMed 0.00005.
gnomAD v4.1: 115 of 1,566,010 alleles (0.0073%); highest among the groups gnomAD compares: Non-Finnish European, 0.0096%; no homozygotes.

Submissions (8):

Women's Health and Genetics/Laboratory Corporation of America, LabCorp
Classification: Uncertain significance. Last evaluated: 2025-10-29. Review status: criteria provided, single submitter. Criteria: LabCorp Variant Classification Summary - May 2015. Collection method: clinical testing. Allele origin: germline.
Comment: Variant summary: TTN c.88012C>G (p.Pro29338Ala) results in a non-conservative amino acid change in the encoded protein sequence. Algorithms developed to predict the effect of missense changes on protein structure and function are either unavailable or do not agree on the potential impact of this missense change. The variant allele was found at a frequency of 9.1e-06 in 219572 control chromosomes. The available data on variant occurrences in the general population are insufficient to allow any conclusion about variant significance. To our knowledge, no occurrence of c.88012C>G in individuals affected with TTN-related conditions and no experimental evidence demonstrating its impact on protein function have been reported. ClinVar contains an entry for this variant (Variation ID: 535398). Based on the evidence outlined above, the variant was classified as uncertain significance.

PreventionGenetics, part of Exact Sciences
Classification: Uncertain significance for TTN-related condition. Last evaluated: 2025-06-27. Review status: criteria provided, single submitter. Criteria: ACMG Guidelines, 2015. Collection method: clinical testing. Allele origin: germline.
Comment: The TTN c.95716C>G variant is predicted to result in the amino acid substitution p.Pro31906Ala. To our knowledge, this variant has not been reported in the literature. This variant is reported in 0.0026% of alleles in individuals of European (Non-Finnish) descent in gnomAD. At this time, the clinical significance of this variant is uncertain due to the absence of conclusive functional and genetic evidence.

Mayo Clinic Laboratories, Mayo Clinic
Classification: Uncertain significance. Last evaluated: 2023-04-13. Review status: criteria provided, single submitter. Criteria: ACMG Guidelines, 2015. Collection method: clinical testing. Allele origin: germline. Observed: 1 variant allele.

Revvity Omics, Revvity
Classification: Uncertain significance. Last evaluated: 2022-06-27. Review status: criteria provided, single submitter. Criteria: ACMG Guidelines, 2015. Collection method: clinical testing. Allele origin: germline.

Blueprint Genetics
Classification: Likely benign. Last evaluated: 2022-04-29. Review status: criteria provided, single submitter. Criteria: ACMG Guidelines, 2015. Collection method: clinical testing. Allele origin: germline.

Athena Diagnostics
Classification: Uncertain significance. Last evaluated: 2020-10-27. Review status: criteria provided, single submitter. Criteria: Athena Diagnostics criteria. Collection method: clinical testing. Allele origin: unknown.

Labcorp Genetics (formerly Invitae), Labcorp
Classification: Uncertain significance for Dilated cardiomyopathy 1G; Autosomal recessive limb-girdle muscular dystrophy type 2J. Last evaluated: 2017-12-19. Review status: criteria provided, single submitter. Criteria: Invitae Variant Classification Sherloc (09022015). Collection method: clinical testing. Allele origin: germline.

Eurofins Ntd Llc (ga)
Classification: Uncertain significance. Last evaluated: 2017-11-09. Review status: criteria provided, single submitter. Criteria: EGL Classification Definitions 2015. Collection method: clinical testing. Allele origin: germline. Observed: 2 variant alleles, 2 heterozygotes.